The following is an entry in ClinVar:

NM_021930.6(RINT1):c.1204G>A (p.Val402Met)

Gene: RINT1 (RAD50 interactor 1; plus strand). Cytogenetic location: 7q22.3.
Variant type: single nucleotide variant.
Coding change: c.1204G>A on transcript NM_021930.6 (MANE Select); coding-DNA position 1204, G replaced by A.
Protein change: p.Val402Met; replaces valine 402 with methionine.
Molecular consequence: missense variant. On other transcripts: non-coding transcript variant (1).
Genome position (GRCh38, 1-based): chr7:105,550,357, G>A. VCF-style: chr7-105550357-G-A. GRCh37 (hg19) VCF-style: chr7-105190804-G-A.
Other names: c.970G>A, p.Val324Met (NM_001346599.2); c.181G>A, p.Val61Met (NM_001346600.2, NM_001346603.2); c.280G>A, p.Val94Met (NM_001346601.2); short protein forms V402M, V324M, V61M, V94M.
Identifiers: ClinVar variation 4154584 (VCV004154584.1).

ClinVar aggregate classification (germline): Uncertain significance (1 of 4 stars; one submission).

Submission:

Ambry Genetics
Classification: Uncertain significance. Last evaluated: 2025-08-14. Review status: criteria provided, single submitter. Criteria: Ambry Variant Classification Scheme 2023. Collection method: clinical testing. Allele origin: germline.
Comment: The p.V402M variant (also known as c.1204G>A), located in coding exon 9 of the RINT1 gene, results from a G to A substitution at nucleotide position 1204. The valine at codon 402 is replaced by methionine, an amino acid with highly similar properties. This amino acid position is conserved. In addition, the in silico prediction for this alteration is inconclusive. Based on the available evidence, the clinical significance of this variant remains unclear.